The following is an entry in ClinVar:

ClinVar aggregate classification (germline): Pathogenic/Likely pathogenic. Review status: criteria provided, multiple submitters, no conflicts (2 of 4 stars). 3 submissions from 3 submitters: Pathogenic (1); Likely pathogenic (2). Last evaluated 2025-08-19.

Conditions:
Autosomal recessive polycystic kidney disease (ARPKD). Also called: AR polycystic kidney disease. Identifiers: Orphanet 731, Orphanet 8378, MedGen C0085548, MeSH D017044, MONDO:0009889.
Polycystic kidney disease 4 (PKD4). Also called: POLYCYSTIC KIDNEY AND HEPATIC DISEASE 1; POLYCYSTIC KIDNEY DISEASE, INFANTILE, TYPE I; PKD3; Autosomal Recessive Polycystic Kidney Disease – PKHD1; POLYCYSTIC KIDNEY DISEASE 4 WITH OR WITHOUT POLYCYSTIC LIVER DISEASE. Identifiers: MedGen C4540575, MONDO:0033004, OMIM 263200.

Allele frequency attached by ClinVar (database versions not stated): gnomAD exomes below 0.00001.

Submissions (3):

Natera, Inc.
Classification: Likely pathogenic for Autosomal recessive polycystic kidney disease. Last evaluated: 2025-08-19. Review status: criteria provided, single submitter. Criteria: Natera Variant Classification Schema (03/2026). Collection method: clinical testing. Allele origin: germline.
Comment: The c.3771dupA variant in PKHD1 is a frameshift variant predicted to shift the reading frame beginning at codon 1258 and leads to a stop codon 39 codons downstream. This variant is expected to result in nonsense mediated decay, truncation, or a dysfunctional protein product. This variant is rare in the general population with a frequency below the threshold expected for the associated phenotype(s). Given the available evidence, this variant is classified as Likely Pathogenic.

Labcorp Genetics (formerly Invitae), Labcorp
Classification: Pathogenic for Autosomal recessive polycystic kidney disease. Last evaluated: 2024-11-11. Review status: criteria provided, single submitter. Criteria: Invitae Variant Classification Sherloc (09022015). Collection method: clinical testing. Allele origin: germline.
Comment: This sequence change creates a premature translational stop signal (p.Pro1258Thrfs*39) in the PKHD1 gene. It is expected to result in an absent or disrupted protein product. Loss-of-function variants in PKHD1 are known to be pathogenic (PMID: 19940839). This variant is not present in population databases (gnomAD no frequency). This variant has not been reported in the literature in individuals affected with PKHD1-related conditions. ClinVar contains an entry for this variant (Variation ID: 1989859). Algorithms developed to predict the effect of sequence changes on RNA splicing suggest that this variant may disrupt the consensus splice site. For these reasons, this variant has been classified as Pathogenic.

Fulgent Genetics
Classification: Likely pathogenic for Polycystic kidney disease 4. Last evaluated: 2024-03-09. Review status: criteria provided, single submitter. Criteria: ACMG Guidelines, 2015. Collection method: clinical testing. Allele origin: germline.

Literature cited by the submitters: PubMed 19940839 (cited by Labcorp Genetics (formerly Invitae), Labcorp).

NM_138694.4(PKHD1):c.3771dup (p.Pro1258fs)

Gene: PKHD1 (PKHD1 ciliary IPT domain containing fibrocystin/polyductin; minus strand). Cytogenetic location: 6p12.2.
Variant type: Duplication.
Coding change: c.3771dup on transcript NM_138694.4 (MANE Select); coding-DNA position 3771, one base duplicated (A; older notation c.3771dupA).
Protein change: p.Pro1258fs; shifts the reading frame from proline 1258.
Molecular consequence: frameshift variant.
Genome position (GRCh38, 1-based): chr6:52,026,039, T duplicated on the plus strand (A on the coding strand, the reverse complement: PKHD1 is on the minus strand). VCF-style (leftmost placement, unchanged base first): chr6-52026038-G-GT. GRCh37 (hg19) VCF-style: chr6-51890836-G-GT.
Other names: c.3771dup, p.Pro1258fs (NM_170724.3); c.3771dupA (NM_138694.3); short protein forms P1258fs.
Identifiers: ClinVar variation 1989859 (VCV001989859.6), dbSNP rs2532738284, ClinGen allele CA2580075472.